The following is an entry in ClinVar:

ClinVar aggregate classification (germline): Benign. Review status: criteria provided, multiple submitters, no conflicts (2 of 4 stars). 2 submissions from 2 submitters: Benign (2). Last evaluated 2018-01-12.

Conditions:
Majeed syndrome (MJDS). Also called: CHRONIC RECURRENT MULTIFOCAL OSTEOMYELITIS 1, WITH CONGENITAL DYSERYTHROPOIETIC ANEMIA, WITH OR WITHOUT NEUTROPHILIC DERMATOSIS; LPIN2-Related Majeed Syndrome. Identifiers: Orphanet 77297, MedGen C1864997, MONDO:0012316, OMIM 609628.

Allele frequency attached by ClinVar (database versions not stated): 1000 Genomes Project 0.04453; 1000 Genomes Project 30x 0.04544; TOPMed 0.06352; gnomAD 0.06443 and 0.06708; gnomAD exomes 0.09375.

Submissions (2):

Illumina Laboratory Services, Illumina
Classification: Benign for Majeed syndrome. Last evaluated: 2018-01-12. Review status: criteria provided, single submitter. Criteria: ICSL Variant Classification Criteria 13 December 2019. Collection method: clinical testing. Allele origin: germline.
Comment: This variant was observed in the ICSL laboratory as part of a predisposition screen in an ostensibly healthy population. It had not been previously curated by ICSL or reported in the Human Gene Mutation Database (HGMD: prior to June 1st, 2018), and was therefore a candidate for classification through an automated scoring system. Utilizing variant allele frequency, disease prevalence and penetrance estimates, and inheritance mode, an automated score was calculated to assess if this variant is too frequent to cause the disease. Based on the score and internal cut-off values, a variant classified as benign is not then subjected to further curation. The score for this variant resulted in a classification of benign for this disease.

Breakthrough Genomics
Classification: Benign. Review status: criteria provided, single submitter. Criteria: ACMG Guidelines, 2015. Collection method: not provided. Allele origin: germline. Inheritance: Unknown mechanism. Affected: yes.

NM_001375808.2(LPIN2):c.*1052T>C

Gene: LPIN2 (lipin 2; minus strand). Cytogenetic location: 18p11.31.
Variant type: single nucleotide variant.
Coding change: c.*1052T>C on transcript NM_001375808.2 (MANE Select); 1052 bases downstream of the stop codon, T replaced by C.
Molecular consequence: 3 prime UTR variant.
Genome position (GRCh38, 1-based): chr18:2,919,241, A>G on the plus strand (T>C on the coding strand, the complement: LPIN2 is on the minus strand). VCF-style: chr18-2919241-A-G. GRCh37 (hg19) VCF-style: chr18-2919239-A-G.
Other names: c.*1052T>C (NM_001375809.1, NM_014646.2).
Identifiers: ClinVar variation 326592 (VCV000326592.6), dbSNP rs59566682, ClinGen allele CA10651462.
Genomic context (GRCh38, chr18:2,919,241, plus strand): 5'-GTCTCACAGGGCTAGGCTGGGGACACTGCTCGGGGGGCAGTCTGCTCCATAGGAGCTCCA[A>G]GACCCCTCTTTGACGCTGCTTCCACGGGCCCGATTACAGGGTGTGATCCCAAAAGCCAAA-3'